The following is an entry in ClinVar:

NM_000075.4(CDK4):c.837C>T (p.Asn279=)

Genes: CDK4 (cyclin dependent kinase 4; minus strand), TSPAN31 (tetraspanin 31; plus strand). Cytogenetic location: 12q14.1.
Variant type: single nucleotide variant.
Coding change: c.837C>T on transcript NM_000075.4 (MANE Select); coding-DNA position 837, C replaced by T.
Protein change: p.Asn279=; no amino-acid change (asparagine 279 retained).
Molecular consequence: synonymous variant. On other transcripts: 3 prime UTR variant (3).
Genome position (GRCh38, 1-based): chr12:57,748,600, G>A on the plus strand (C>T on the coding strand, the complement: CDK4 is on the minus strand). VCF-style: chr12-57748600-G-A. GRCh37 (hg19) VCF-style: chr12-58142383-G-A.
Other names: c.*1310G>A (NM_001330168.2, NM_001330169.2, NM_005981.5).
Identifiers: ClinVar variation 2109013 (VCV002109013.5), dbSNP rs2140381234, ClinGen allele CA480299597.

ClinVar aggregate classification (germline): Benign/Likely benign. Review status: criteria provided, multiple submitters, no conflicts (2 of 4 stars). 2 submissions from 2 submitters: Benign (1); Likely benign (1). Last evaluated 2024-09-27.

Conditions:
Melanoma, cutaneous malignant, susceptibility to, 3. Also called: Cutaneous malignant melanoma 3. Identifiers: Orphanet 618, MedGen C1836892, MONDO:0012183, OMIM 609048.
Familial melanoma. Also called: Hereditary melanoma; Hereditary cutaneous melanoma. Identifiers: Orphanet 618, MedGen C1512419, MONDO:0018961.

Submissions (2):

Myriad Genetics, Inc.
Classification: Benign for Melanoma, cutaneous malignant, susceptibility to, 3. Last evaluated: 2024-09-27. Review status: criteria provided, single submitter. Criteria: Myriad Autosomal Dominant, Autosomal Recessive and X-Linked Classification Criteria (2023). Collection method: clinical testing. Allele origin: unknown.
Comment: This variant is considered benign. This variant is a silent/synonymous amino acid change and it is not expected to impact splicing.

Labcorp Genetics (formerly Invitae), Labcorp
Classification: Likely benign for Familial melanoma. Last evaluated: 2022-03-11. Review status: criteria provided, single submitter. Criteria: Invitae Variant Classification Sherloc (09022015). Collection method: clinical testing. Allele origin: germline.